The following is an entry in ClinVar:

NM_001148.6(ANK2):c.2920G>T (p.Val974Leu)

Gene: ANK2 (ankyrin 2; plus strand). Cytogenetic location: 4q26.
Variant type: single nucleotide variant.
Coding change: c.2920G>T on transcript NM_001148.6 (MANE Select); coding-DNA position 2920, G replaced by T.
Protein change: p.Val974Leu; replaces valine 974 with leucine.
Molecular consequence: missense variant.
Genome position (GRCh38, 1-based): chr4:113,330,265, G>T. VCF-style: chr4-113330265-G-T. GRCh37 (hg19) VCF-style: chr4-114251421-G-T.
Other names: p.Val974Leu; c.3061G>T, p.Val1021Leu (NM_001386174.1); c.3037G>T, p.Val1013Leu (NM_001386175.1); c.2905G>T, p.Val969Leu (NM_001386186.2, NM_001386148.2); c.2884G>T, p.Val962Leu (NM_001386187.2); c.2920G>T, p.Val974Leu (NM_020977.5, NM_001354228.2, NM_001354258.2); c.2893G>T, p.Val965Leu (NM_001127493.3); c.2932G>T, p.Val978Leu (NM_001354225.2); and 24 more; short protein forms V1000L, V1013L, V1021L, V183L, V195L, V846L, V879L, V903L.
Identifiers: ClinVar variation 2671829 (VCV002671829.2), dbSNP rs775719326, ClinGen allele CA357934941.

ClinVar aggregate classification (germline): Uncertain significance (1 of 4 stars; one submission).

Conditions:
Hypertrophic cardiomyopathy. Also called: HYPERTROPHIC MYOCARDIOPATHY. Identifiers: Orphanet 217569, MedGen C0007194, MeSH D002312, MONDO:0005045, HP:0001639.

Submission:

Petrovsky National Research Centre of Surgery, The Federal Agency for Scientific Organizations
Classification: Uncertain significance for Hypertrophic cardiomyopathy. Last evaluated: 2023-03-23. Review status: criteria provided, single submitter. Criteria: ACMG Guidelines, 2015. Collection method: clinical testing. Allele origin: germline. Affected: yes.
Comment: This variant is absent in The Genome Aggregation Database (gnomAD) v2.1.1 and v.3.1.2 (Date of access with 23-03-2023). This variant has not been reported in any study to our knowledge. Most in silico predictors show pathogenic result of the protein change (SpliceAI). In accordance with ACMG(2015) criteria this variant is classified as Variant of Uncertain Significance (VUS) with following criteria selected: PM2, PP3.